The following is an entry in ClinVar:

NM_033305.3(VPS13A):c.9275G>A (p.Arg3092His)

Gene: VPS13A (vacuolar protein sorting 13 homolog A; plus strand). Cytogenetic location: 9q21.2.
Variant type: single nucleotide variant.
Coding change: c.9275G>A on transcript NM_033305.3 (MANE Select); coding-DNA position 9275, G replaced by A.
Protein change: p.Arg3092His; replaces arginine 3092 with histidine.
Molecular consequence: missense variant.
Genome position (GRCh38, 1-based): chr9:77,403,321, G>A. VCF-style: chr9-77403321-G-A. GRCh37 (hg19) VCF-style: chr9-80018237-G-A.
Other names: c.9158G>A, p.Arg3053His (NM_001018037.2); short protein forms R3053H, R3092H.
Identifiers: ClinVar variation 3603267 (VCV003603267.1).

ClinVar aggregate classification (germline): Uncertain significance (1 of 4 stars; one submission).

Conditions:
VPS13A-related neurodegenerative disease. Also called: VPS13A Disease; Choreaacanthocytosis; LEVINE-CRITCHLEY SYNDROME; ACANTHOCYTOSIS WITH NEUROLOGIC DISORDER; Choreoacanthocytosis; Chorea-acanthocytosis. Identifiers: Orphanet 2388, MedGen C0393576, MONDO:0008695, OMIM 200150.

gnomAD v4.1: 10 of 1,609,048 alleles (0.00062%); highest among the groups gnomAD compares: Middle Eastern, 0.017%; no homozygotes.

Submission:

Neuberg Centre For Genomic Medicine, NCGM
Classification: Uncertain significance for VPS13A-related neurodegenerative disease. Review status: criteria provided, single submitter. Criteria: ACMG Guidelines, 2015. Collection method: clinical testing. Allele origin: germline. Inheritance: Autosomal recessive inheritance. Affected: yes.
Comment: The observed missense c.9275G>A (p.Arg3092His) variant in VPS13A gene has not been reported previously as a pathogenic variant nor as a benign variant, to our knowledge. The p.Arg3092His variant is present with allele frequency of 0.0004% in gnomAD Exomes. This variant has not been submitted to the ClinVar database. Multiple lines of computational evidence (Polyphen - Possibly damaging, SIFT – Damaging and Mutation Taster - Disease causing) predict a damaging effect on protein structure and function for this variant. The reference amino acid at this position on VPS13A gene is predicted as conserved by GERP++ and PhyloP across 100 vertebrates. The amino acid Arg at position 3092 is changed to a His changing protein sequence and it might alter its composition and physico-chemical properties. For these reasons, this variant has been classified as Variant of Uncertain Significance (VUS).